The following is an entry in ClinVar:

NM_173598.6(KSR2):c.1763C>T (p.Ala588Val)

Gene: KSR2 (kinase suppressor of ras 2; minus strand). Cytogenetic location: 12q24.22.
Variant type: single nucleotide variant.
Coding change: c.1763C>T on transcript NM_173598.6 (MANE Select); coding-DNA position 1763, C replaced by T.
Protein change: p.Ala588Val; replaces alanine 588 with valine.
Molecular consequence: missense variant.
Genome position (GRCh38, 1-based): chr12:117,530,980, G>A on the plus strand (C>T on the coding strand, the complement: KSR2 is on the minus strand). VCF-style: chr12-117530980-G-A. GRCh37 (hg19) VCF-style: chr12-117968785-G-A.
Other names: short protein forms A588V.
Identifiers: ClinVar variation 4095832 (VCV004095832.3).

ClinVar aggregate classification (germline): Uncertain significance. Review status: criteria provided, multiple submitters, no conflicts (2 of 4 stars). 3 submissions from 3 submitters: Uncertain significance (3). Last evaluated 2026-01-27.

Conditions:
KSR2-related disorder. Also called: KSR2-related condition.

gnomAD v4.1: 12 of 1,613,378 alleles (0.00074%); highest among the groups gnomAD compares: Admixed American, 0.005%; no homozygotes.

Submissions (3):

Labcorp Genetics (formerly Invitae), Labcorp
Classification: Uncertain significance. Last evaluated: 2026-01-27. Review status: criteria provided, single submitter. Criteria: Invitae Variant Classification Sherloc (09022015). Collection method: clinical testing. Allele origin: germline.
Comment: This sequence change replaces alanine, which is neutral and non-polar, with valine, which is neutral and non-polar, at codon 559 of the KSR2 protein (p.Ala559Val). This variant is present in population databases (rs780348317, gnomAD 0.009%). This variant has not been reported in the literature in individuals affected with KSR2-related conditions. ClinVar contains an entry for this variant (Variation ID: 4095832). An algorithm developed to predict the effect of missense changes on protein structure and function (PolyPhen-2) suggests that this variant is likely to be tolerated. In summary, the available evidence is currently insufficient to determine the role of this variant in disease. Therefore, it has been classified as a Variant of Uncertain Significance.

PreventionGenetics, part of Exact Sciences
Classification: Uncertain significance for KSR2-related condition. Last evaluated: 2025-10-30. Review status: criteria provided, single submitter. Criteria: ACMG Guidelines, 2015. Collection method: clinical testing. Allele origin: germline.
Comment: The KSR2 c.1676C>T variant is predicted to result in the amino acid substitution p.Ala559Val. To our knowledge, this variant has not been reported in the literature. This variant is reported in 0.0088% of alleles in individuals of Latino descent in gnomAD. At this time, the clinical significance of this variant is uncertain due to the absence of conclusive functional and genetic evidence.

Ambry Genetics
Classification: Uncertain significance. Last evaluated: 2025-08-23. Review status: criteria provided, single submitter. Criteria: Ambry Variant Classification Scheme 2023. Collection method: clinical testing. Allele origin: germline.